The following is an entry in ClinVar:

NM_022168.4(IFIH1):c.454-3C>G

Gene: IFIH1 (interferon induced with helicase C domain 1; minus strand). Cytogenetic location: 2q24.2.
Variant type: single nucleotide variant.
Coding change: c.454-3C>G on transcript NM_022168.4 (MANE Select); 3 bases into the intron before coding-DNA position 454, C replaced by G.
Molecular consequence: intron variant.
Genome position (GRCh38, 1-based): chr2:162,310,936, G>C on the plus strand (C>G on the coding strand, the complement: IFIH1 is on the minus strand). VCF-style: chr2-162310936-G-C. GRCh37 (hg19) VCF-style: chr2-163167446-G-C.
Identifiers: ClinVar variation 1502938 (VCV001502938.6), dbSNP rs2105230636, ClinGen allele CA2573133559.

ClinVar aggregate classification (germline): Uncertain significance (1 of 4 stars; one submission).

Conditions:
Singleton-Merten syndrome 1 (SGMRT1). Also called: Widened medullary cavities of bone, aortic calcification, abnormal dentition, and muscular weakness; Syndrome of widened medullary cavities of the metacarpals and phalanges, aortic calcification and abnormal dentition. Identifiers: Orphanet 85191, MedGen C4225427, MONDO:0024535, OMIM 182250.
Aicardi-Goutieres syndrome 7 (AGS7). Identifiers: Orphanet 51, MedGen C3888244, MONDO:0014367, OMIM 615846.

Submission:

Labcorp Genetics (formerly Invitae), Labcorp
Classification: Uncertain significance for Aicardi-Goutieres syndrome 7; Singleton-Merten syndrome 1. Last evaluated: 2021-07-02. Review status: criteria provided, single submitter. Criteria: Invitae Variant Classification Sherloc (09022015). Collection method: clinical testing. Allele origin: germline.
Comment: In summary, the available evidence is currently insufficient to determine the role of this variant in disease. Therefore, it has been classified as a Variant of Uncertain Significance. Nucleotide substitutions within the consensus splice site are a relatively common cause of aberrant splicing (PMID: 17576681, 9536098). Algorithms developed to predict the effect of sequence changes on RNA splicing suggest that this variant may disrupt the consensus splice site. This variant has not been reported in the literature in individuals affected with IFIH1-related conditions. This variant is not present in population databases (ExAC no frequency). This sequence change falls in intron 1 of the IFIH1 gene. It does not directly change the encoded amino acid sequence of the IFIH1 protein. It affects a nucleotide within the consensus splice site of the intron.

Literature cited by the submitters: PubMed 17576681; PubMed 9536098.